The following is an entry in ClinVar:

NM_020856.4(TSHZ3):c.2641G>A (p.Glu881Lys)

Gene: TSHZ3 (teashirt zinc finger homeobox 3; minus strand). Cytogenetic location: 19q12.
Variant type: single nucleotide variant.
Coding change: c.2641G>A on transcript NM_020856.4 (MANE Select); coding-DNA position 2641, G replaced by A.
Protein change: p.Glu881Lys; replaces glutamic acid 881 with lysine.
Molecular consequence: missense variant.
Genome position (GRCh38, 1-based): chr19:31,277,152, C>T on the plus strand (G>A on the coding strand, the complement: TSHZ3 is on the minus strand). VCF-style: chr19-31277152-C-T. GRCh37 (hg19) VCF-style: chr19-31768058-C-T.
Other names: short protein forms E881K.
Identifiers: ClinVar variation 3348080 (VCV003348080.1).

ClinVar aggregate classification (germline): Uncertain significance (0 of 4 stars; one submission).

Conditions:
TSHZ3-related disorder. Also called: TSHZ3-related condition.

Submission:

PreventionGenetics, part of Exact Sciences
Classification: Uncertain significance for TSHZ3-related condition. Last evaluated: 2024-03-26. Review status: no assertion criteria provided. Collection method: clinical testing. Allele origin: germline.
Comment: The TSHZ3 c.2641G>A variant is predicted to result in the amino acid substitution p.Glu881Lys. To our knowledge, this variant has not been reported in the literature or in a large population database, indicating this variant is rare. At this time, the clinical significance of this variant is uncertain due to the absence of conclusive functional and genetic evidence.